The following is an entry in ClinVar:

ClinVar aggregate classification (germline): Uncertain significance (1 of 4 stars; one submission).

Allele frequency attached by ClinVar (database versions not stated): gnomAD exomes below 0.00001.

Submission:

GeneDx
Classification: Uncertain significance. Last evaluated: 2023-02-24. Review status: criteria provided, single submitter. Criteria: GeneDx Variant Classification Process June 2021. Collection method: clinical testing. Allele origin: germline. Affected: yes.
Comment: Not observed at significant frequency in large population cohorts (gnomAD); Frameshift variant predicted to result in protein truncation as the last 364 amino acids are replaced with 8 different amino acids, in a gene for which loss-of-function is not a known mechanism of disease; Has not been previously published as pathogenic or benign to our knowledge

NM_006514.4(SCN10A):c.4777del (p.Ile1593fs)

Gene: SCN10A (sodium voltage-gated channel alpha subunit 10; minus strand). Cytogenetic location: 3p22.2.
Variant type: Deletion.
Coding change: c.4777del on transcript NM_006514.4 (MANE Select); coding-DNA position 4777, one base deleted (A; older notation c.4777delA).
Protein change: p.Ile1593fs; shifts the reading frame from isoleucine 1593.
Molecular consequence: frameshift variant.
Genome position (GRCh38, 1-based): chr3:38,698,443, T deleted on the plus strand (A on the coding strand, the reverse complement: SCN10A is on the minus strand). VCF-style (leftmost placement, unchanged base first): chr3-38698442-AT-A. GRCh37 (hg19) VCF-style: chr3-38739933-AT-A.
Other names: c.4774del, p.Ile1592fs (NM_001293306.2); c.4483del, p.Ile1495fs (NM_001293307.2); short protein forms I1495fs, I1592fs, I1593fs.
Identifiers: ClinVar variation 2577560 (VCV002577560.1), dbSNP rs2470555173, ClinGen allele CA2580617515.
Genomic context (GRCh38, chr3:38,698,442, plus strand): 5'-AACAGCCCGATGTTGAAGAGGGCAGGCAGGGACATCATGAGGGCAAAGAGCAGTGTGCGG[AT>A]CCCCTTGGCCGCTCGGATCAGTCTGAGGATGCGGCCAATTCGGGCCAGGCGGATGACTCT-3'